The following is an entry in ClinVar:

ClinVar aggregate classification (germline): Uncertain significance. Review status: criteria provided, multiple submitters, no conflicts (2 of 4 stars). 2 submissions from 2 submitters: Uncertain significance (2). Last evaluated 2026-02-01.

Conditions:
Cardiomyopathy, familial restrictive, 1. Identifiers: Orphanet 75249, MedGen C1861861, MONDO:0007270, OMIM 115210.
Myofibrillar myopathy 5. Also called: Filaminopathy (type); FILAMINOPATHY, AUTOSOMAL DOMINANT. Identifiers: Orphanet 171445, MedGen C1836050, MONDO:0012289, OMIM 609524.
Distal myopathy with posterior leg and anterior hand involvement. Also called: WILLIAMS DISTAL MYOPATHY. Identifiers: Orphanet 63273, MedGen C3279722, MONDO:0013550, OMIM 614065.
Cardiovascular phenotype. Identifiers: MedGen CN230736.
Hypertrophic cardiomyopathy 26. Also called: Cardiomyopathy, familial hypertrophic, 26. Identifiers: Orphanet 75249, MedGen C4310749, MONDO:0014883, OMIM 617047.

Allele frequency attached by ClinVar (database versions not stated): ExAC 0.00001; gnomAD 0.00001; TOPMed 0.00002.
gnomAD v4.1: 9 of 1,613,892 alleles (0.00056%); highest among the groups gnomAD compares: Admixed American, 0.0033%; no homozygotes.

Submissions (2):

Labcorp Genetics (formerly Invitae), Labcorp
Classification: Uncertain significance for Distal myopathy with posterior leg and anterior hand involvement; Myofibrillar myopathy 5; Hypertrophic cardiomyopathy 26. Last evaluated: 2026-02-01. Review status: criteria provided, single submitter. Criteria: Invitae Variant Classification Sherloc (09022015). Collection method: clinical testing. Allele origin: germline.
Comment: This sequence change replaces arginine, which is basic and polar, with tryptophan, which is neutral and slightly polar, at codon 916 of the FLNC protein (p.Arg916Trp). This variant is not present in population databases (gnomAD no frequency). This variant has not been reported in the literature in individuals affected with FLNC-related conditions. ClinVar contains an entry for this variant (Variation ID: 1415142). Invitae Evidence Modeling of protein sequence and biophysical properties (such as structural, functional, and spatial information, amino acid conservation, physicochemical variation, residue mobility, and thermodynamic stability) has been performed for this missense variant. However, the output from this modeling did not meet the statistical confidence thresholds required to predict the impact of this variant on FLNC protein function. In summary, the available evidence is currently insufficient to determine the role of this variant in disease. Therefore, it has been classified as a Variant of Uncertain Significance.

Ambry Genetics
Classification: Uncertain significance for Cardiovascular phenotype. Last evaluated: 2024-02-01. Review status: criteria provided, single submitter. Criteria: Ambry Variant Classification Scheme 2023. Collection method: clinical testing. Allele origin: germline.
Comment: The p.R916W variant (also known as c.2746C>T), located in coding exon 18 of the FLNC gene, results from a C to T substitution at nucleotide position 2746. The arginine at codon 916 is replaced by tryptophan, an amino acid with dissimilar properties. This amino acid position is conserved. In addition, the in silico prediction for this alteration is inconclusive. Based on the available evidence, the clinical significance of this alteration remains unclear.

NM_001458.5(FLNC):c.2746C>T (p.Arg916Trp)

Gene: FLNC (filamin C; plus strand). Cytogenetic location: 7q32.1.
Variant type: single nucleotide variant.
Coding change: c.2746C>T on transcript NM_001458.5 (MANE Select); coding-DNA position 2746, C replaced by T.
Protein change: p.Arg916Trp; replaces arginine 916 with tryptophan.
Molecular consequence: missense variant.
Genome position (GRCh38, 1-based): chr7:128,843,512, C>T. VCF-style: chr7-128843512-C-T. GRCh37 (hg19) VCF-style: chr7-128483566-C-T.
Other names: c.2746C>T, p.Arg916Trp (NM_001127487.2); short protein forms R916W.
Identifiers: ClinVar variation 1415142 (VCV001415142.9), dbSNP rs762095761, ClinGen allele CA4474834.
Genomic context (GRCh38, chr7:128,843,512, plus strand): 5'-GGAGCCGGCAAGGCCAAGCTGGATGTGCAGTTTGCAGGGACAGCCAAGGGCGAGGTTGTG[C>T]GGGACTTTGAGATCATAGACAACCATGACTACTCCTACACTGTCAAGTACACCGCTGTCC-3'
Protein context (NP_001449.3, residues 906-926): FAGTAKGEVV[Arg916Trp]DFEIIDNHDY